The following is an entry in ClinVar:

ClinVar aggregate classification (germline): Uncertain significance (1 of 4 stars; one submission).

Submission:

GeneDx
Classification: Uncertain significance. Last evaluated: 2024-04-10. Review status: criteria provided, single submitter. Criteria: GeneDx Variant Classification Process June 2021. Collection method: clinical testing. Allele origin: germline. Affected: yes.
Comment: Not observed at significant frequency in large population cohorts (gnomAD); In silico analysis supports that this missense variant has a deleterious effect on protein structure/function; Has not been previously published as pathogenic or benign to our knowledge

NM_016284.5(CNOT1):c.1926A>T (p.Gln642His)

Gene: CNOT1 (CCR4-NOT transcription complex subunit 1; minus strand). Cytogenetic location: 16q21.
Variant type: single nucleotide variant.
Coding change: c.1926A>T on transcript NM_016284.5 (MANE Select); coding-DNA position 1926, A replaced by T.
Protein change: p.Gln642His; replaces glutamine 642 with histidine.
Molecular consequence: missense variant. On other transcripts: non-coding transcript variant (1).
Genome position (GRCh38, 1-based): chr16:58,574,662, T>A on the plus strand (A>T on the coding strand, the complement: CNOT1 is on the minus strand). VCF-style: chr16-58574662-T-A. GRCh37 (hg19) VCF-style: chr16-58608566-T-A.
Other names: c.1926A>T, p.Gln642His (NM_001265612.2, NM_206999.3); short protein forms Q642H.
Identifiers: ClinVar variation 3372393 (VCV003372393.1).
Genomic context (GRCh38, chr16:58,574,662, plus strand): 5'-TTCTTACCCTGCACAAGCTTGCAGACAGGCCAACATTGTCGCCAAAGTTTCTGGAGGAAG[T>A]TGAGCACTTTTGGGCTGGTCTTTTTCTGGGGCAAGTCCGCCCAAAATAGAAGGACACCGT-3'
Protein context (NP_057368.3, residues 632-652): APEKDQPKSA[Gln642His]LPPETLATML